The following is an entry in ClinVar:

NM_015874.6(RBPJ):c.134del (p.Lys45fs)

Genes: RBPJ (recombination signal binding protein for immunoglobulin kappa J region; plus strand), LOC126807011 (MED14-independent group 3 enhancer GRCh37_chr4:26407341-26408540; plus strand). Cytogenetic location: 4p15.2.
Variant type: Deletion.
Coding change: c.134del on transcript NM_015874.6 (MANE Select); coding-DNA position 134, one base deleted (A; older notation c.134delA).
Protein change: p.Lys45fs; shifts the reading frame from lysine 45.
Molecular consequence: frameshift variant.
Genome position (GRCh38, 1-based): chr4:26,406,249, A deleted; the last of 2 consecutive A bases (chr4:26,406,248-26,406,249); deleting either gives the same sequence. VCF-style (leftmost placement, unchanged base first): chr4-26406247-GA-G. GRCh37 (hg19) VCF-style: chr4-26407869-GA-G.
Other names: c.68del, p.Lys23fs (NM_001363577.2, NM_203283.5); c.173del, p.Lys58fs (NM_001374400.1, NM_001379408.1, NM_005349.4); c.131del, p.Lys44fs (NM_001374401.1, NM_001374402.1, NM_001374403.1 and 3 more transcripts); c.128del, p.Lys43fs (NM_001379409.1); short protein forms K23fs, K43fs, K44fs, K45fs, K58fs.
Identifiers: ClinVar variation 1309159 (VCV001309159.4), dbSNP rs2109744196, ClinGen allele CA2573052326.

ClinVar aggregate classification (germline): Uncertain significance (1 of 4 stars; one submission).

Submission:

GeneDx
Classification: Uncertain significance. Last evaluated: 2025-09-15. Review status: criteria provided, single submitter. Criteria: GeneDx Variant Classification Process June 2021. Collection method: clinical testing. Allele origin: germline. Affected: yes.
Comment: Frameshift variant predicted to result in protein truncation or nonsense mediated decay in a gene or region of a gene for which loss of function is not a well-established mechanism of disease; Not observed at significant frequency in large population cohorts (gnomAD); Has not been previously published as pathogenic or benign to our knowledge; This variant is associated with the following publications: (PMID: 39169672, 40243816)